The following is an entry in ClinVar:

NC_000007.14:g.(?_5997316)_(5997433_?)del

Gene: PMS2 (PMS1 homolog 2, mismatch repair system component; minus strand). Cytogenetic location: 7p22.1.
Variant type: Deletion.
Identifiers: ClinVar variation 583683 (VCV000583683.9).

ClinVar aggregate classification (germline): Pathogenic (1 of 4 stars; one submission).

Conditions:
Hereditary nonpolyposis colorectal neoplasms. Identifiers: MedGen C0009405, MeSH D003123.

Submission:

Labcorp Genetics (formerly Invitae), Labcorp
Classification: Pathogenic for Hereditary nonpolyposis colorectal neoplasms. Last evaluated: 2023-11-27. Review status: criteria provided, single submitter. Criteria: Invitae Variant Classification Sherloc (09022015). Collection method: clinical testing. Allele origin: germline.
Comment: This variant is a gross deletion of the genomic region encompassing exon(s) 7 of the PMS2 gene. This deletion is out-of-frame, and is expected to create a premature termination codon and result in an absent or disrupted protein product. Loss-of-function variants in PMS2 are known to be pathogenic (PMID: 21376568, 24362816). A similar copy number variant has been observed in individual(s) with clinical features of constitutional mismatch repair deficiency syndrome (PMID: 18376293). For these reasons, this variant has been classified as Pathogenic.

Literature cited by the submitters: PubMed 21376568; PubMed 24362816; PubMed 18376293.